The following continues an entry in ClinVar:

NM_000077.5(CDKN2A):c.-16GGCGGCGGGGAGCAGCATGGAGCC[1] (p.Ala4_Pro11del)

ClinVar aggregate classification (germline): Conflicting classifications of pathogenicity. Uncertain significance (13); Likely benign (1).

Submissions 8 to 15 of 15:

Color Diagnostics, LLC DBA Color Health
Classification: Uncertain significance for Hereditary cancer-predisposing syndrome. Last evaluated: 2025-04-01. Review status: criteria provided, single submitter. Criteria: ACMG Guidelines, 2015. Collection method: clinical testing. Allele origin: germline.
Comment: This variant results in a deletion of eight amino acids from the N-terminus of the CDKN2A (p16INK4A) protein. The residues deleted by this variant (p.Ala4_Pro11) are only present in human and two other non-human primate species. The mutant allele is a reference in other mammalian species. A functional study has shown that the mutant protein resulting from this variant retains normal protein function (PMID: 8668202). This variant has been reported in over ten individuals affected by melanoma (PMID: 10070944, 12072543, 16905682, 17047042, 19759551, 20876876, 21325014, 25780468, 25803691) and breast cancer (PMID: 26976419). This variant has also been identified in 36/265240 chromosomes in the general population by the Genome Aggregation Database (gnomAD) and is particularly common in the Latino population (0.0512%, 18/35104 alleles). The available evidence is insufficient to determine the role of this variant in disease conclusively. Therefore, this variant is classified as a Variant of Uncertain Significance.

Center for Genomic Medicine, Rigshospitalet, Copenhagen University Hospital
Classification: Uncertain significance. Last evaluated: 2025-03-04. Review status: criteria provided, single submitter. Criteria: ACMG Guidelines, 2015. Collection method: clinical testing. Allele origin: germline.

Baylor Genetics
Classification: Uncertain significance for Melanoma and neural system tumor syndrome. Last evaluated: 2024-03-13. Review status: criteria provided, single submitter. Criteria: ACMG Guidelines, 2015. Collection method: clinical testing. Allele origin: unknown.

Fulgent Genetics
Classification: Uncertain significance for Melanoma, cutaneous malignant, susceptibility to, 2; Melanoma and neural system tumor syndrome; Melanoma-pancreatic cancer syndrome. Last evaluated: 2024-01-08. Review status: criteria provided, single submitter. Criteria: ACMG Guidelines, 2015. Collection method: clinical testing. Allele origin: germline.

Myriad Genetics, Inc.
Classification: Uncertain significance for Melanoma-pancreatic cancer syndrome. Last evaluated: 2023-04-20. Review status: criteria provided, single submitter. Criteria: Myriad Autosomal Dominant, Autosomal Recessive and X-Linked Classification Criteria (2023). Collection method: clinical testing. Allele origin: unknown.
Comment: This variant is classified as a variant of uncertain significance as there is insufficient evidence to determine its impact on protein function and/or cancer risk.

Ambry Genetics
Classification: Likely benign for Hereditary cancer-predisposing syndrome. Last evaluated: 2022-03-11. Review status: criteria provided, single submitter. Criteria: Ambry Variant Classification Scheme 2023. Collection method: clinical testing. Allele origin: germline.

Mendelics
Classification: Uncertain significance for Melanoma-pancreatic cancer syndrome. Last evaluated: 2019-05-28. Review status: criteria provided, single submitter. Criteria: Mendelics Assertion Criteria 2017. Collection method: clinical testing. Allele origin: unknown.

Counsyl
Classification: Uncertain significance for Melanoma-pancreatic cancer syndrome. Last evaluated: 2016-09-13. Review status: no assertion criteria provided. Collection method: clinical testing. Allele origin: unknown. Not counted in ClinVar's aggregate classification.

Literature cited by the submitters: PubMed 12072543 (cited by 4 submitters); PubMed 16905682 (cited by 5 submitters); PubMed 17047042 (cited by 5 submitters); PubMed 19759551 (cited by 4 submitters); PubMed 20876876 (cited by 4 submitters); PubMed 25780468 (cited by 5 submitters); PubMed 25803691 (cited by 6 submitters); PubMed 26976419 (cited by 4 submitters); PubMed 21325014 (cited by Women's Health and Genetics/Laboratory Corporation of America, LabCorp and Color Diagnostics, LLC DBA Color Health); PubMed 15146471 (cited by Women's Health and Genetics/Laboratory Corporation of America, LabCorp); PubMed 27028851 (cited by Women's Health and Genetics/Laboratory Corporation of America, LabCorp); PubMed 10070944 (cited by 4 submitters); PubMed 11159196 (cited by 3 submitters); PubMed 27756164 (cited by Women's Health and Genetics/Laboratory Corporation of America, LabCorp); PubMed 27960642 (cited by Women's Health and Genetics/Laboratory Corporation of America, LabCorp); PubMed 28765326 (cited by Women's Health and Genetics/Laboratory Corporation of America, LabCorp); PubMed 9166859 (cited by Women's Health and Genetics/Laboratory Corporation of America, LabCorp); PubMed 16818274 (cited by Women's Health and Genetics/Laboratory Corporation of America, LabCorp); PubMed 18519632 (cited by Women's Health and Genetics/Laboratory Corporation of America, LabCorp); PubMed 7718873 (cited by Women's Health and Genetics/Laboratory Corporation of America, LabCorp); PubMed 11500805 (cited by Women's Health and Genetics/Laboratory Corporation of America, LabCorp); PubMed 8668202 (cited by 3 submitters); PubMed 29703253 (cited by Women's Health and Genetics/Laboratory Corporation of America, LabCorp); PubMed 28830827 (cited by 3 submitters); PubMed 31854063 (cited by Women's Health and Genetics/Laboratory Corporation of America, LabCorp); PubMed 28481359 (cited by Women's Health and Genetics/Laboratory Corporation of America, LabCorp); PubMed 35264596 (cited by Women's Health and Genetics/Laboratory Corporation of America, LabCorp and Quest Diagnostics Nichols Institute San Juan Capistrano); PubMed 26827760 (cited by Women's Health and Genetics/Laboratory Corporation of America, LabCorp); PubMed 34130653 (cited by Women's Health and Genetics/Laboratory Corporation of America, LabCorp); PubMed 36243179 (cited by Women's Health and Genetics/Laboratory Corporation of America, LabCorp and Quest Diagnostics Nichols Institute San Juan Capistrano); PubMed 35957908 (cited by Women's Health and Genetics/Laboratory Corporation of America, LabCorp); PubMed 32321774 (cited by Women's Health and Genetics/Laboratory Corporation of America, LabCorp); PubMed 34074656 (cited by Women's Health and Genetics/Laboratory Corporation of America, LabCorp); PubMed 7559077 (cited by Women's Health and Genetics/Laboratory Corporation of America, LabCorp and Quest Diagnostics Nichols Institute San Juan Capistrano); PubMed 26336083 (cited by Women's Health and Genetics/Laboratory Corporation of America, LabCorp); PubMed 29608884 (cited by Women's Health and Genetics/Laboratory Corporation of America, LabCorp); PubMed 32034076 (cited by Women's Health and Genetics/Laboratory Corporation of America, LabCorp); PubMed 31855952 (cited by Women's Health and Genetics/Laboratory Corporation of America, LabCorp); PubMed 33741979 (cited by Women's Health and Genetics/Laboratory Corporation of America, LabCorp); PubMed 14745721 (cited by Women's Health and Genetics/Laboratory Corporation of America, LabCorp); PubMed 9462707 (cited by Women's Health and Genetics/Laboratory Corporation of America, LabCorp); PubMed 34480095 (cited by Women's Health and Genetics/Laboratory Corporation of America, LabCorp); PubMed 33893289 (cited by Women's Health and Genetics/Laboratory Corporation of America, LabCorp); PubMed 32187361 (cited by Women's Health and Genetics/Laboratory Corporation of America, LabCorp); PubMed 12529334 (cited by Quest Diagnostics Nichols Institute San Juan Capistrano); PubMed 20152798 (cited by Quest Diagnostics Nichols Institute San Juan Capistrano); PubMed 9823374 (cited by Quest Diagnostics Nichols Institute San Juan Capistrano); PubMed 8755727 (cited by Quest Diagnostics Nichols Institute San Juan Capistrano).